The following is an entry in ClinVar:

ClinVar aggregate classification (germline): Uncertain significance. Review status: criteria provided, multiple submitters, no conflicts (2 of 4 stars). 2 submissions from 2 submitters: Uncertain significance (2). Last evaluated 2024-09-22.

Conditions:
PHGDH deficiency. Identifiers: Orphanet 79351, MedGen C1866174, MONDO:0011152, OMIM 601815.

Allele frequency attached by ClinVar (database versions not stated): ExAC 0.00001; gnomAD 0.00001; gnomAD exomes 0.00001; TOPMed 0.00001.
gnomAD v4.1: 11 of 1,613,990 alleles (0.00068%); highest among the groups gnomAD compares: Middle Eastern, 0.016%; no homozygotes.

Submissions (2):

GeneDx
Classification: Uncertain significance. Last evaluated: 2024-09-22. Review status: criteria provided, single submitter. Criteria: GeneDx Variant Classification Process June 2021. Collection method: clinical testing. Allele origin: germline. Affected: yes.
Comment: Not observed at significant frequency in large population cohorts (gnomAD); In silico analysis indicates that this missense variant does not alter protein structure/function; Has not been previously published as pathogenic or benign to our knowledge

Labcorp Genetics (formerly Invitae), Labcorp
Classification: Uncertain significance for PHGDH deficiency. Last evaluated: 2022-08-06. Review status: criteria provided, single submitter. Criteria: Invitae Variant Classification Sherloc (09022015). Collection method: clinical testing. Allele origin: germline.
Comment: This sequence change replaces arginine, which is basic and polar, with glutamine, which is neutral and polar, at codon 247 of the PHGDH protein (p.Arg247Gln). This variant is present in population databases (rs778523576, gnomAD 0.01%). This variant has not been reported in the literature in individuals affected with PHGDH-related conditions. Algorithms developed to predict the effect of missense changes on protein structure and function (SIFT, PolyPhen-2, Align-GVGD) all suggest that this variant is likely to be tolerated. Algorithms developed to predict the effect of sequence changes on RNA splicing suggest that this variant may create or strengthen a splice site. In summary, the available evidence is currently insufficient to determine the role of this variant in disease. Therefore, it has been classified as a Variant of Uncertain Significance.

NM_006623.4(PHGDH):c.740G>A (p.Arg247Gln)

Gene: PHGDH (phosphoglycerate dehydrogenase; plus strand). Cytogenetic location: 1p12.
Variant type: single nucleotide variant.
Coding change: c.740G>A on transcript NM_006623.4 (MANE Select); coding-DNA position 740, G replaced by A.
Protein change: p.Arg247Gln; replaces arginine 247 with glutamine.
Molecular consequence: missense variant.
Genome position (GRCh38, 1-based): chr1:119,735,391, G>A. VCF-style: chr1-119735391-G-A. GRCh37 (hg19) VCF-style: chr1-120278014-G-A.
Other names: c.740G>A (NM_006623.3); short protein forms R247Q.
Identifiers: ClinVar variation 2055604 (VCV002055604.2), dbSNP rs778523576, ClinGen allele CA1037235.
Genomic context (GRCh38, chr1:119,735,391, plus strand): 5'-AGGGGGTGCGTGTGGTGAACTGTGCCCGTGGAGGGATCGTGGACGAAGGCGCCCTGCTCC[G>A]GGCCCTGCAGTCTGGCCAGTGTGCCGGGGCTGCACTGGACGTGTTTACGGAAGTAAGTGC-3'
Protein context (NP_006614.2, residues 237-257): GGIVDEGALL[Arg247Gln]ALQSGQCAGA